The following is an entry in ClinVar:

ClinVar aggregate classification (germline): Uncertain significance (1 of 4 stars; one submission).

Conditions:
Arrhythmogenic right ventricular dysplasia 5. Also called: Arrhythmogenic Right Ventricular Dysplasia/Cardiomyopathy 5; ARRHYTHMOGENIC RIGHT VENTRICULAR DYSPLASIA, FAMILIAL, 5. Identifiers: MedGen C1858379, MONDO:0011459, OMIM 604400.

Submission:

All of Us Research Program, National Institutes of Health
Classification: Uncertain significance for Arrhythmogenic right ventricular dysplasia 5. Last evaluated: 2023-03-04. Review status: criteria provided, single submitter. Criteria: ACMG Guidelines, 2015. Collection method: clinical testing. Allele origin: germline. Inheritance: Autosomal dominant inheritance. Observed: 1 variant allele, 1 heterozygote.
Comment: This study involves interpretation of variants in research participants for the purpose of population health screening. Participant phenotype was not available at the time of variant classification. Additional details can be found in publication PMID: 35346344, PMCID: PMC8962531

NM_024334.3(TMEM43):c.623T>C (p.Leu208Pro)

Gene: TMEM43 (transmembrane protein 43; plus strand). Cytogenetic location: 3p25.1.
Variant type: single nucleotide variant.
Coding change: c.623T>C on transcript NM_024334.3 (MANE Select); coding-DNA position 623, T replaced by C.
Protein change: p.Leu208Pro; replaces leucine 208 with proline.
Molecular consequence: missense variant.
Genome position (GRCh38, 1-based): chr3:14,134,809, T>C. VCF-style: chr3-14134809-T-C. GRCh37 (hg19) VCF-style: chr3-14176309-T-C.
Other names: c.626T>C, p.Leu209Pro (NM_001407274.1); c.623T>C, p.Leu208Pro (NM_001407275.1, NM_001407276.1, NM_001407277.1 and 1 more transcripts); c.608T>C, p.Leu203Pro (NM_001407278.1); c.473T>C, p.Leu158Pro (NM_001407280.1); short protein forms L158P, L203P, L208P, L209P.
Identifiers: ClinVar variation 3069873 (VCV003069873.1), dbSNP rs1695144862, ClinGen allele CA351535511.